The following is an entry in ClinVar:

NM_001352754.2(ARMC9):c.2431C>T (p.Pro811Ser)

Gene: ARMC9 (armadillo repeat containing 9; plus strand). Cytogenetic location: 2q37.1.
Variant type: single nucleotide variant.
Coding change: c.2431C>T on transcript NM_001352754.2 (MANE Select); coding-DNA position 2431, C replaced by T.
Protein change: p.Pro811Ser; replaces proline 811 with serine.
Molecular consequence: missense variant.
Genome position (GRCh38, 1-based): chr2:231,370,122, C>T. VCF-style: chr2-231370122-C-T. GRCh37 (hg19) VCF-style: chr2-232234833-C-T.
Other names: c.2431C>T, p.Pro811Ser (NM_001271466.4); short protein forms P811S.
Identifiers: ClinVar variation 1037162 (VCV001037162.7), dbSNP rs2045960517, ClinGen allele CA350960150.

ClinVar aggregate classification (germline): Uncertain significance (1 of 4 stars; one submission).

gnomAD v4.1: 4 of 1,524,410 alleles (0.00026%); no homozygotes.

Submission:

Labcorp Genetics (formerly Invitae), Labcorp
Classification: Uncertain significance. Last evaluated: 2022-08-10. Review status: criteria provided, single submitter. Criteria: Invitae Variant Classification Sherloc (09022015). Collection method: clinical testing. Allele origin: germline.
Comment: This sequence change replaces proline, which is neutral and non-polar, with serine, which is neutral and polar, at codon 811 of the ARMC9 protein (p.Pro811Ser). This variant is not present in population databases (gnomAD no frequency). This variant has not been reported in the literature in individuals affected with ARMC9-related conditions. ClinVar contains an entry for this variant (Variation ID: 1037162). Experimental studies and prediction algorithms are not available or were not evaluated, and the functional significance of this variant is currently unknown. In summary, the available evidence is currently insufficient to determine the role of this variant in disease. Therefore, it has been classified as a Variant of Uncertain Significance.